The following is an entry in ClinVar:

NM_000094.4(COL7A1):c.1411T>C (p.Leu471=)

Gene: COL7A1 (collagen type VII alpha 1 chain; minus strand). Cytogenetic location: 3p21.31.
Variant type: single nucleotide variant.
Coding change: c.1411T>C on transcript NM_000094.4 (MANE Select); coding-DNA position 1411, T replaced by C.
Protein change: p.Leu471=; no amino-acid change (leucine 471 retained).
Molecular consequence: synonymous variant.
Genome position (GRCh38, 1-based): chr3:48,591,769, A>G on the plus strand (T>C on the coding strand, the complement: COL7A1 is on the minus strand). VCF-style: chr3-48591769-A-G. GRCh37 (hg19) VCF-style: chr3-48629202-A-G.
Identifiers: ClinVar variation 719867 (VCV000719867.16), dbSNP rs139564795, ClinGen allele CA2381216.

ClinVar aggregate classification (germline): Conflicting classifications of pathogenicity. Review status: criteria provided, conflicting classifications (1 of 4 stars). 5 submissions from 5 submitters: Uncertain significance (1); Likely benign (3). 1 of the submissions does not count toward it. Last evaluated 2026-07-01.

Conditions:
Epidermolysis bullosa dystrophica. Also called: Dystrophic epidermolysis bullosa, Hallopeau-Siemens type (formerly); Dystrophic epidermolysis bullosa. Identifiers: Orphanet 303, MedGen C0079294, MONDO:0006543.
COL7A1-related disorder. Also called: COL7A1-related condition; COL7A1- related disorders.

Allele frequency attached by ClinVar (database versions not stated): ESP Exome Variant Server 0.00054; 1000 Genomes Project 0.00060; 1000 Genomes Project 30x 0.00062; gnomAD exomes 0.00086 and 0.00045; gnomAD 0.00039 and 0.00042; ExAC 0.00045; TOPMed 0.00051.
gnomAD v4.1: 1,317 of 1,614,034 alleles (0.082%); highest among the groups gnomAD compares: South Asian, 0.12%; 4 homozygotes.

Submissions (5):

CeGaT Center for Human Genetics Tuebingen
Classification: Likely benign. Last evaluated: 2026-07-01. Review status: criteria provided, single submitter. Criteria: CeGaT Center For Human Genetics Tuebingen Variant Classification Criteria Version 2. Collection method: clinical testing. Allele origin: germline. Affected: yes. Observed: 1 variant allele.
Comment: COL7A1: BP4, BP7

Labcorp Genetics (formerly Invitae), Labcorp
Classification: Likely benign. Last evaluated: 2026-01-26. Review status: criteria provided, single submitter. Criteria: Invitae Variant Classification Sherloc (09022015). Collection method: clinical testing. Allele origin: germline.

PreventionGenetics, part of Exact Sciences
Classification: Likely benign for COL7A1-related condition. Last evaluated: 2025-05-12. Review status: criteria provided, single submitter. Criteria: ACMG Guidelines, 2015. Collection method: clinical testing. Allele origin: germline.
Comment: This variant is classified as likely benign based on ACMG/AMP sequence variant interpretation guidelines (Richards et al. 2015 PMID: 25741868, with internal and published modifications).

Illumina Laboratory Services, Illumina
Classification: Uncertain significance for Dystrophic epidermolysis bullosa. Last evaluated: 2018-01-12. Review status: criteria provided, single submitter. Criteria: ICSL Variant Classification Criteria 13 December 2019. Collection method: clinical testing. Allele origin: germline.

Natera, Inc.
Classification: Uncertain significance for Dystrophic epidermolysis bullosa. Last evaluated: 2020-01-17. Review status: no assertion criteria provided. Collection method: clinical testing. Allele origin: germline. Not counted in ClinVar's aggregate classification.